The following is an entry in ClinVar:

NM_014714.4(IFT140):c.2864A>C (p.Lys955Thr)

Genes: IFT140 (intraflagellar transport 140; minus strand), LOC126862260 (CDK7 strongly-dependent group 2 enhancer GRCh37_chr16:1574508-1575707; plus strand). Cytogenetic location: 16p13.3.
Variant type: single nucleotide variant.
Coding change: c.2864A>C on transcript NM_014714.4 (MANE Select); coding-DNA position 2864, A replaced by C.
Protein change: p.Lys955Thr; replaces lysine 955 with threonine.
Molecular consequence: missense variant.
Genome position (GRCh38, 1-based): chr16:1,525,231, T>G on the plus strand (A>C on the coding strand, the complement: IFT140 is on the minus strand). VCF-style: chr16-1525231-T-G. GRCh37 (hg19) VCF-style: chr16-1575232-T-G.
Other names: short protein forms K955T.
Identifiers: ClinVar variation 1470145 (VCV001470145.5), dbSNP rs2141174966, ClinGen allele CA394226654.

ClinVar aggregate classification (germline): Uncertain significance (1 of 4 stars; one submission).

Conditions:
Saldino-Mainzer syndrome (SRTD9). Also called: Renal dysplasia, retinal pigmentary dystrophy, cerebellar ataxia and skeletal dysplasia; CONORENAL SYNDROME; SHORT-RIB THORACIC DYSPLASIA 9 WITHOUT POLYDACTYLY; short-rib thoracic dysplasia 9 with or without polydactyly. Identifiers: Orphanet 140969, MedGen C1849437, MONDO:0009964, OMIM 266920.

Submission:

Labcorp Genetics (formerly Invitae), Labcorp
Classification: Uncertain significance for Saldino-Mainzer syndrome. Last evaluated: 2021-08-31. Review status: criteria provided, single submitter. Criteria: Invitae Variant Classification Sherloc (09022015). Collection method: clinical testing. Allele origin: germline.
Comment: This sequence change replaces lysine with threonine at codon 955 of the IFT140 protein (p.Lys955Thr). The lysine residue is moderately conserved and there is a moderate physicochemical difference between lysine and threonine. This variant is not present in population databases (ExAC no frequency). This variant has not been reported in the literature in individuals affected with IFT140-related conditions. Algorithms developed to predict the effect of missense changes on protein structure and function (SIFT, PolyPhen-2, Align-GVGD) all suggest that this variant is likely to be tolerated. In summary, the available evidence is currently insufficient to determine the role of this variant in disease. Therefore, it has been classified as a Variant of Uncertain Significance.